The following is an entry in ClinVar:

NM_031407.7(HUWE1):c.10502C>T (p.Thr3501Met)

Gene: HUWE1 (HECT, UBA and WWE domain containing E3 ubiquitin protein ligase 1; minus strand). Cytogenetic location: Xp11.22.
Variant type: single nucleotide variant.
Coding change: c.10502C>T on transcript NM_031407.7 (MANE Select); coding-DNA position 10502, C replaced by T.
Protein change: p.Thr3501Met; replaces threonine 3501 with methionine.
Molecular consequence: missense variant.
Genome position (GRCh38, 1-based): chrX:53,547,807, G>A on the plus strand (C>T on the coding strand, the complement: HUWE1 is on the minus strand). VCF-style: chrX-53547807-G-A. GRCh37 (hg19) VCF-style: chrX-53574768-G-A.
Other names: short protein forms T3501M.
Identifiers: ClinVar variation 588771 (VCV000588771.27), dbSNP rs782741075, ClinGen allele CA10421533.
Genomic context (GRCh38, chrX:53,547,807, plus strand): 5'-GTGGCAGCAACCAGGGCTGGAGCAGAAGTGACAGGGGTGGGTGCAGTAGGGGGTGTGGGC[G>A]TGGTGGAGGCGGCAGTGGTGGTGGTGGTAGATGTGGTTGAGGTGGCAGTGGTGGTGGAGG-3'
Protein context (NP_113584.3, residues 3491-3511): STTTTTAAST[Thr3501Met]PTPPTAPTPV

ClinVar aggregate classification (germline): Uncertain significance. Review status: criteria provided, multiple submitters, no conflicts (2 of 4 stars). 2 submissions from 2 submitters: Uncertain significance (2). Last evaluated 2026-05-20.

Conditions:
Inborn genetic diseases. Identifiers: MedGen C0950123, MeSH D030342.

Allele frequency attached by ClinVar (database versions not stated): ExAC below 0.00001.

Submissions (2):

Ambry Genetics
Classification: Uncertain significance for Inborn genetic diseases. Last evaluated: 2026-05-20. Review status: criteria provided, single submitter. Criteria: Ambry Variant Classification Scheme 2023. Collection method: clinical testing. Allele origin: germline.

CeGaT Center for Human Genetics Tuebingen
Classification: Uncertain significance. Last evaluated: 2024-02-01. Review status: criteria provided, single submitter. Criteria: CeGaT Center For Human Genetics Tuebingen Variant Classification Criteria Version 2. Collection method: clinical testing. Allele origin: germline. Affected: yes. Observed: 1 variant allele.
Comment: HUWE1: PM2, BP4